The following is an entry in ClinVar:

ClinVar aggregate classification (germline): Conflicting classifications of pathogenicity. Review status: criteria provided, conflicting classifications (1 of 4 stars). 6 submissions from 6 submitters: Uncertain significance (5); Likely benign (1). Last evaluated 2026-06-15.

Conditions:
TOPORS-related disorder. Also called: TOPORS-related condition.
Retinitis pigmentosa (RP). Identifiers: Orphanet 791, MedGen C0035334, MeSH D012174, MONDO:0019200, OMIM 268000. Inheritance: Autosomal dominant, autosomal recessive and X linked inheritance.

Allele frequency attached by ClinVar (database versions not stated): TOPMed 0.00007.
gnomAD v4.1: 159 of 1,612,856 alleles (0.0099%); highest among the groups gnomAD compares: Middle Eastern, 0.049%; no homozygotes.

Submissions (6):

PreventionGenetics, part of Exact Sciences
Classification: Uncertain significance for TOPORS-related condition. Last evaluated: 2026-06-15. Review status: criteria provided, single submitter. Criteria: ACMG Guidelines, 2015. Collection method: clinical testing. Allele origin: germline.
Comment: The TOPORS c.74C>T variant is predicted to result in the amino acid substitution p.Ser25Leu. To our knowledge, this variant has not been reported in the literature. This variant is reported in 0.023% of alleles in individuals of South Asian descent in gnomAD, which may be too frequent to be a primary cause of disease. Although we suspect that this variant may be benign, at this time, the clinical significance of this variant is uncertain due to the absence of conclusive functional and genetic evidence.

CeGaT Center for Human Genetics Tuebingen
Classification: Uncertain significance. Last evaluated: 2025-09-01. Review status: criteria provided, single submitter. Criteria: CeGaT Center For Human Genetics Tuebingen Variant Classification Criteria Version 2. Collection method: clinical testing. Allele origin: germline. Affected: yes. Observed: 1 variant allele.

Labcorp Genetics (formerly Invitae), Labcorp
Classification: Uncertain significance. Last evaluated: 2025-07-28. Review status: criteria provided, single submitter. Criteria: Invitae Variant Classification Sherloc (09022015). Collection method: clinical testing. Allele origin: germline.
Comment: This sequence change replaces serine, which is neutral and polar, with leucine, which is neutral and non-polar, at codon 25 of the TOPORS protein (p.Ser25Leu). This variant is present in population databases (rs61758066, gnomAD 0.02%). This variant has not been reported in the literature in individuals affected with TOPORS-related conditions. ClinVar contains an entry for this variant (Variation ID: 450158). An algorithm developed to predict the effect of missense changes on protein structure and function outputs the following: PolyPhen-2: "Benign". The leucine amino acid residue is found in multiple mammalian species, which suggests that this missense change does not adversely affect protein function. In summary, the available evidence is currently insufficient to determine the role of this variant in disease. Therefore, it has been classified as a Variant of Uncertain Significance.

Blueprint Genetics
Classification: Likely benign. Last evaluated: 2024-09-20. Review status: criteria provided, single submitter. Criteria: ACMG Guidelines, 2015. Collection method: clinical testing. Allele origin: germline.

Illumina Laboratory Services, Illumina
Classification: Uncertain significance for Retinitis pigmentosa. Last evaluated: 2018-01-12. Review status: criteria provided, single submitter. Criteria: ICSL Variant Classification Criteria 13 December 2019. Collection method: clinical testing. Allele origin: germline.

GeneDx
Classification: Uncertain significance. Last evaluated: 2017-07-06. Review status: criteria provided, single submitter. Criteria: GeneDx Variant Classification (06012015). Collection method: clinical testing. Allele origin: germline. Affected: yes.
Comment: The S25L variant in the TOPORS gene has not been reported previously as a pathogenic variant, nor as a benign variant, to our knowledge. The S25L variant is observed in 5/16314 (0.03%) alleles from individuals of South Asian background in the ExAC dataset (Lek et al., 2016). The S25L variant is a non-conservative amino acid substitution, which is likely to impact secondary protein structure as these residues differ in polarity, charge, size and/or other properties. This substitution occurs at a position that is not conserved. In silico analysis is inconsistent in its predictions as to whether or not the variant is damaging to the protein structure/function. We interpret S25L as a variant of uncertain significance.

NM_005802.5(TOPORS):c.74C>T (p.Ser25Leu)

Gene: TOPORS (TOP1 binding arginine/serine rich protein, E3 ubiquitin ligase; minus strand). Cytogenetic location: 9p21.1.
Variant type: single nucleotide variant.
Coding change: c.74C>T on transcript NM_005802.5 (MANE Select); coding-DNA position 74, C replaced by T.
Protein change: p.Ser25Leu; replaces serine 25 with leucine.
Molecular consequence: missense variant. On other transcripts: intron variant (1).
Genome position (GRCh38, 1-based): chr9:32,550,898, G>A on the plus strand (C>T on the coding strand, the complement: TOPORS is on the minus strand). VCF-style: chr9-32550898-G-A. GRCh37 (hg19) VCF-style: chr9-32550896-G-A.
Other names: c.3+1536C>T (NM_001195622.2); short protein forms S25L.
Identifiers: ClinVar variation 450158 (VCV000450158.21), dbSNP rs61758066, ClinGen allele CA5020733.